The following is an entry in ClinVar:

ClinVar aggregate classification (germline): Pathogenic (1 of 4 stars; one submission).

Conditions:
Vici syndrome (VICIS). Identifiers: Orphanet 1493, MedGen C1855772, MONDO:0009452, OMIM 242840.

Submission:

Labcorp Genetics (formerly Invitae), Labcorp
Classification: Pathogenic for Vici syndrome. Last evaluated: 2023-03-04. Review status: criteria provided, single submitter. Criteria: Invitae Variant Classification Sherloc (09022015). Collection method: clinical testing. Allele origin: germline.
Comment: For these reasons, this variant has been classified as Pathogenic. This variant has not been reported in the literature in individuals affected with EPG5-related conditions. This variant is not present in population databases (gnomAD no frequency). This sequence change creates a premature translational stop signal (p.Gly1464Valfs*34) in the EPG5 gene. It is expected to result in an absent or disrupted protein product. Loss-of-function variants in EPG5 are known to be pathogenic (PMID: 23222957, 23674064).

Literature cited by the submitters: PubMed 23222957; PubMed 23674064.

NM_020964.3(EPG5):c.4391del (p.Gly1464fs)

Gene: EPG5 (ectopic P-granules 5 autophagy tethering factor; minus strand). Cytogenetic location: 18q21.1.
Variant type: Deletion.
Coding change: c.4391del on transcript NM_020964.3 (MANE Select); coding-DNA position 4391, one base deleted (G; older notation c.4391delG).
Protein change: p.Gly1464fs; shifts the reading frame from glycine 1464.
Molecular consequence: frameshift variant.
Genome position (GRCh38, 1-based): chr18:45,904,056, C deleted on the plus strand (G on the coding strand, the reverse complement: EPG5 is on the minus strand); the first of 2 consecutive C bases (chr18:45,904,056-45,904,057); deleting either gives the same sequence. VCF-style (leftmost placement, unchanged base first): chr18-45904055-AC-A. GRCh37 (hg19) VCF-style: chr18-43484020-AC-A.
Other names: c.4391del, p.Gly1464fs (NM_001410858.1, NM_001410859.1); short protein forms G1464fs.
Identifiers: ClinVar variation 2831909 (VCV002831909.3), dbSNP rs2511728615, ClinGen allele CA2739268687.